The following is an entry in ClinVar:

NM_001365951.3(KIF1B):c.-127G>A

Gene: KIF1B (kinesin family member 1B; plus strand). Cytogenetic location: 1p36.22.
Variant type: single nucleotide variant.
Coding change: c.-127G>A on transcript NM_001365951.3 (MANE Select); 127 bases upstream of the start codon, G replaced by A.
Molecular consequence: 5 prime UTR variant.
Genome position (GRCh38, 1-based): chr1:10,210,831, G>A. VCF-style: chr1-10210831-G-A. GRCh37 (hg19) VCF-style: chr1-10270889-G-A.
Other names: c.-127G>A (NM_015074.3, NM_183416.4).
Identifiers: ClinVar variation 291460 (VCV000291460.5), dbSNP rs528568887, ClinGen allele CA10607187.

ClinVar aggregate classification (germline): Likely benign (1 of 4 stars; one submission).

Conditions:
Neuroblastoma (NB). Identifiers: Orphanet 635, MedGen C0027819, MeSH D009447, MONDO:0005072, HP:0003006.

Allele frequency attached by ClinVar (database versions not stated): gnomAD 0.00001 and 0.00031; TOPMed 0.00008; 1000 Genomes Project 0.00140; 1000 Genomes Project 30x 0.00219.

Submission:

Illumina Laboratory Services, Illumina
Classification: Likely benign for Neuroblastoma. Last evaluated: 2018-01-12. Review status: criteria provided, single submitter. Criteria: ICSL Variant Classification Criteria 13 December 2019. Collection method: clinical testing. Allele origin: germline.
Comment: This variant was observed in the ICSL laboratory as part of a predisposition screen in an ostensibly healthy population. It had not been previously curated by ICSL or reported in the Human Gene Mutation Database (HGMD: prior to June 1st, 2018), and was therefore a candidate for classification through an automated scoring system. Utilizing variant allele frequency, disease prevalence and penetrance estimates, and inheritance mode, an automated score was calculated to assess if this variant is too frequent to cause the disease. Based on the score and internal cut-off values, a variant classified as likely benign is not then subjected to further curation. The score for this variant resulted in a classification of likely benign for this disease.